The following is an entry in ClinVar:

NM_024675.4(PALB2):c.135G>A (p.Lys45=)

Gene: PALB2 (partner and localizer of BRCA2; minus strand). Cytogenetic location: 16p12.2.
Variant type: single nucleotide variant.
Coding change: c.135G>A on transcript NM_024675.4 (MANE Select); coding-DNA position 135, G replaced by A.
Protein change: p.Lys45=; no amino-acid change (lysine 45 retained).
Molecular consequence: synonymous variant.
Genome position (GRCh38, 1-based): chr16:23,637,926, C>T on the plus strand (G>A on the coding strand, the complement: PALB2 is on the minus strand). VCF-style: chr16-23637926-C-T. GRCh37 (hg19) VCF-style: chr16-23649247-C-T.
Other names: NM_024675.3(PALB2):c.135G>A; p.Lys45=.
Identifiers: ClinVar variation 230997 (VCV000230997.17), dbSNP rs753270291, ClinGen allele CA7963834.
Genomic context (GRCh38, chr16:23,637,926, plus strand): 5'-CGGTGAGAGATCCTGCTGAGACAAACAATCTTGTTCTTCTACTGTTTTCTTAATAGAATG[C>T]TTAATCTTTTCAGCTCTTTGGGCACGCTAGAGGAGACAAAAACAGCCCCAGAAATACGTT-3'
Protein context (NP_078951.2, residues 35-55): LQRAQRAEKI[Lys45=]HSIKKTVEEQ

ClinVar aggregate classification (germline): Likely benign. Review status: reviewed by expert panel (3 of 4 stars). 5 submissions from 5 submitters: Likely benign (1). 4 of the submissions do not count toward it. Last evaluated 2023-04-05.

Conditions:
Hereditary cancer-predisposing syndrome. Also called: Neoplastic Syndromes, Hereditary; Tumor predisposition; Hereditary Cancer Syndrome; Hereditary neoplastic syndrome. Identifiers: Orphanet 140162, MedGen C0027672, MeSH D009386, MONDO:0015356.
Familial cancer of breast. Also called: BREAST CANCER, FAMILIAL; hereditary breast carcinoma; Hereditary breast cancer. Identifiers: Orphanet 227535, MedGen C0346153, MONDO:0016419, OMIM 114480. Disease mechanism: loss of function.
PALB2-related cancer predisposition. Identifiers: MedGen CN377761, MONDO:0700272.

Allele frequency attached by ClinVar (database versions not stated): gnomAD exomes below 0.00001; ExAC 0.00001.
gnomAD v4.1: 2 of 1,614,022 alleles (0.00012%); highest among the groups gnomAD compares: Non-Finnish European, 0.00017%; no homozygotes.

Submissions (5):

ClinGen Hereditary Breast, Ovarian and Pancreatic Cancer Variant Curation Expert Panel, ClinGen
Classification: Likely benign for PALB2-related cancer predisposition. Last evaluated: 2023-04-05. Review status: reviewed by expert panel. Criteria: ClinGen HBOP VCEP ACMG Specifications PALB2 V1.0.0. Collection method: curation. Allele origin: germline. Inheritance: Autosomal dominant inheritance.
Comment: The c.135G>A (p.Lys45=) variant is a synonymous (silent) variant that is not predicted by MaxEntScan or SpliceAI to impact splicing. This variant has a minor allele frequency in gnomAD v2.1.1 of 0.000008791 in the European non-Finnish population (PM2_Supporting, BS1, and BA1 are not met). In summary, this variant meets criteria to be classified as likely benign for autosomal dominant hereditary breast and pancreatic cancer and autosomal recessive FANCN based on the ACMG/AMP criteria applied as specified by the HBOP VCEP. (BP4, BP7)

Labcorp Genetics (formerly Invitae), Labcorp
Classification: Likely benign for Familial cancer of breast. Last evaluated: 2025-10-19. Review status: criteria provided, single submitter. Criteria: Invitae Variant Classification Sherloc (09022015). Collection method: clinical testing. Allele origin: germline. Not counted in ClinVar's aggregate classification.

Myriad Genetics, Inc.
Classification: Benign for Familial cancer of breast. Last evaluated: 2025-01-09. Review status: criteria provided, single submitter. Criteria: Myriad Autosomal Dominant, Autosomal Recessive and X-Linked Classification Criteria (2023). Collection method: clinical testing. Allele origin: unknown. Not counted in ClinVar's aggregate classification.
Comment: This variant is considered benign. This variant is a silent/synonymous amino acid change and it is not expected to impact splicing.

GeneDx
Classification: Likely benign. Last evaluated: 2016-05-29. Review status: criteria provided, single submitter. Criteria: GeneDx Variant Classification (06012015). Collection method: clinical testing. Allele origin: germline. Affected: yes. Not counted in ClinVar's aggregate classification.
Comment: This variant is considered likely benign or benign based on one or more of the following criteria: it is a conservative change, it occurs at a poorly conserved position in the protein, it is predicted to be benign by multiple in silico algorithms, and/or has population frequency not consistent with disease.

Ambry Genetics
Classification: Likely benign for Hereditary cancer-predisposing syndrome. Last evaluated: 2015-03-26. Review status: criteria provided, single submitter. Criteria: Ambry Variant Classification Scheme 2023. Collection method: clinical testing. Allele origin: germline. Not counted in ClinVar's aggregate classification.